The following is an entry in ClinVar:

ClinVar aggregate classification (germline): Uncertain significance (1 of 4 stars; one submission).

Conditions:
Netherton syndrome (NETH). Also called: COMEL-NETHERTON SYNDROME; ERYTHRODERMA, ICHTHYOSIFORM, WITH HYPOTRICHOSIS AND HYPER-IgE; NETHERTON DISEASE. Identifiers: Orphanet 634, MedGen C5574950, MONDO:0009735, OMIM 256500.

Allele frequency attached by ClinVar (database versions not stated): gnomAD exomes below 0.00001; gnomAD 0.00001; TOPMed 0.00001.
gnomAD v4.1: 3 of 1,611,942 alleles (0.00019%); highest among the groups gnomAD compares: Admixed American, 0.005%; no homozygotes.

Submission:

Labcorp Genetics (formerly Invitae), Labcorp
Classification: Uncertain significance for Ichthyosis linearis circumflexa. Last evaluated: 2021-08-17. Review status: criteria provided, single submitter. Criteria: Invitae Variant Classification Sherloc (09022015). Collection method: clinical testing. Allele origin: germline.
Comment: This sequence change replaces glycine with glutamic acid at codon 187 of the SPINK5 protein (p.Gly187Glu). The glycine residue is highly conserved and there is a moderate physicochemical difference between glycine and glutamic acid. This variant is not present in population databases (ExAC no frequency). This variant has not been reported in the literature in individuals affected with SPINK5-related conditions. Algorithms developed to predict the effect of missense changes on protein structure and function are either unavailable or do not agree on the potential impact of this missense change (SIFT: "Deleterious"; PolyPhen-2: "Probably Damaging"; Align-GVGD: "Class C0"). In summary, the available evidence is currently insufficient to determine the role of this variant in disease. Therefore, it has been classified as a Variant of Uncertain Significance.

NM_006846.4(SPINK5):c.560G>A (p.Gly187Glu)

Gene: SPINK5 (serine peptidase inhibitor Kazal type 5; plus strand). Cytogenetic location: 5q32.
Variant type: single nucleotide variant.
Coding change: c.560G>A on transcript NM_006846.4 (MANE Select); coding-DNA position 560, G replaced by A.
Protein change: p.Gly187Glu; replaces glycine 187 with glutamic acid.
Molecular consequence: missense variant.
Genome position (GRCh38, 1-based): chr5:148,089,579, G>A. VCF-style: chr5-148089579-G-A. GRCh37 (hg19) VCF-style: chr5-147469142-G-A.
Other names: c.560G>A, p.Gly187Glu (NM_001127698.2, NM_001127699.2); short protein forms G187E.
Identifiers: ClinVar variation 1518075 (VCV001518075.3), dbSNP rs1753254257, ClinGen allele CA361890457.